The following is an entry in ClinVar:

ClinVar aggregate classification (germline): Uncertain significance (1 of 4 stars; one submission).

Conditions:
Hypodontia. Also called: Partial congenital absence of teeth; TOOTH AGENESIS, FAMILIAL; Tooth agenesis, selective. Identifiers: Orphanet 99798, MedGen C0020608, MONDO:0005486, HP:0000668. Disease mechanism: loss of function.

Submission:

Labcorp Genetics (formerly Invitae), Labcorp
Classification: Uncertain significance for Hypodontia. Last evaluated: 2020-10-11. Review status: criteria provided, single submitter. Criteria: Invitae Variant Classification Sherloc (09022015). Collection method: clinical testing. Allele origin: germline.
Comment: This variant is a gross deletion of the genomic region encompassing exon(s) 5 of the PAX9 gene. The 5' boundary is likely confined to intron 4. The 3' end of this event is unknown as it extends through the termination codon beyond the assayed region for this gene and may encompass additional genes. While this deletion is not anticipated to result in nonsense mediated decay, it is expected to create a truncated protein product or disrupt mRNA translation. This variant has not been reported in the literature in individuals with PAX9-related conditions. This variant disrupts the C-terminus of the PAX9 protein. Other variant(s) that disrupt this region (p.Val265Argfs*52) have been observed in individuals with PAX9-related conditions (PMID: 11827258). This suggests that this may be a clinically significant region of the protein. In summary, the available evidence is currently insufficient to determine the role of this variant in disease. Therefore, it has been classified as a Variant of Uncertain Significance.

Literature cited by the submitters: PubMed 11827258.

NC_000014.8:g.(?_37145383)_(37145677_?)del

Gene: PAX9 (paired box 9; plus strand). Cytogenetic location: 14q13.3.
Variant type: Deletion.
Identifiers: ClinVar variation 1003958 (VCV001003958.1).